The following is an entry in ClinVar:

NM_004813.4(PEX16):c.623C>T (p.Ala208Val)

Gene: PEX16 (peroxisomal biogenesis factor 16; minus strand). Cytogenetic location: 11p11.2.
Variant type: single nucleotide variant.
Coding change: c.623C>T on transcript NM_004813.4 (MANE Select); coding-DNA position 623, C replaced by T.
Protein change: p.Ala208Val; replaces alanine 208 with valine.
Molecular consequence: missense variant.
Genome position (GRCh38, 1-based): chr11:45,914,387, G>A on the plus strand (C>T on the coding strand, the complement: PEX16 is on the minus strand). VCF-style: chr11-45914387-G-A. GRCh37 (hg19) VCF-style: chr11-45935938-G-A.
Other names: c.623C>T, p.Ala208Val (NM_057174.3); short protein forms A208V.
Identifiers: ClinVar variation 596315 (VCV000596315.11), dbSNP rs201173264, ClinGen allele CA5959897.
Genomic context (GRCh38, chr11:45,914,387, plus strand): 5'-GGCCGGGCAATGTACAAAAACTCTGCGATGGTCTCCTGCAGCCCCAGGGGGGTGGGGGTC[G>A]CACTCAGCTCCTCGTGATGCTGCTGCTGCCGTCCCTCCCGCTGCTGGGGAGCTCCCCAGT-3'
Protein context (NP_004804.2, residues 198-218): RQQQHHEELS[Ala208Val]TPTPLGLQET

ClinVar aggregate classification (germline): Conflicting classifications of pathogenicity. Review status: criteria provided, conflicting classifications (1 of 4 stars). 3 submissions from 3 submitters: Uncertain significance (2); Likely benign (1). Last evaluated 2025-12-03.

Conditions:
Inborn genetic diseases. Identifiers: MedGen C0950123, MeSH D030342.
Peroxisome biogenesis disorder. Identifiers: Orphanet 79189, MedGen C1832200, MONDO:0019234. Disease mechanism: loss of function.

Allele frequency attached by ClinVar (database versions not stated): TOPMed below 0.00001; gnomAD 0.00001 and 0.00002; gnomAD exomes 0.00001 and 0.00003; ExAC 0.00005; 1000 Genomes Project 30x 0.00031; 1000 Genomes Project 0.00040.
gnomAD v4.1: 24 of 1,610,098 alleles (0.0015%); highest among the groups gnomAD compares: East Asian, 0.031%; no homozygotes.

Submissions (3):

Ambry Genetics
Classification: Likely benign for Inborn genetic diseases. Last evaluated: 2025-12-03. Review status: criteria provided, single submitter. Criteria: Ambry Variant Classification Scheme 2023. Collection method: clinical testing. Allele origin: germline.

Labcorp Genetics (formerly Invitae), Labcorp
Classification: Uncertain significance for Peroxisome biogenesis disorder. Last evaluated: 2022-10-17. Review status: criteria provided, single submitter. Criteria: Invitae Variant Classification Sherloc (09022015). Collection method: clinical testing. Allele origin: germline.
Comment: This sequence change replaces alanine, which is neutral and non-polar, with valine, which is neutral and non-polar, at codon 208 of the PEX16 protein (p.Ala208Val). This variant is present in population databases (rs201173264, gnomAD 0.02%). This variant has not been reported in the literature in individuals affected with PEX16-related conditions. ClinVar contains an entry for this variant (Variation ID: 596315). Advanced modeling of protein sequence and biophysical properties (such as structural, functional, and spatial information, amino acid conservation, physicochemical variation, residue mobility, and thermodynamic stability) performed at Invitae indicates that this missense variant is not expected to disrupt PEX16 protein function. In summary, the available evidence is currently insufficient to determine the role of this variant in disease. Therefore, it has been classified as a Variant of Uncertain Significance.

Eurofins Ntd Llc (ga)
Classification: Uncertain significance. Last evaluated: 2018-03-06. Review status: criteria provided, single submitter. Criteria: EGL ClinVar v180209 classification definitions. Collection method: clinical testing. Allele origin: germline. Observed: 1 variant allele, 1 heterozygote.